The following is an entry in ClinVar:

ClinVar aggregate classification (germline): Uncertain significance (1 of 4 stars; one submission).

Conditions:
Hereditary spastic paraplegia 28. Also called: Spastic paraplegia 28, autosomal recessive. Identifiers: Orphanet 101008, MedGen C1836295, MONDO:0012256, OMIM 609340.

Submission:

Labcorp Genetics (formerly Invitae), Labcorp
Classification: Uncertain significance for Hereditary spastic paraplegia 28. Last evaluated: 2019-12-13. Review status: criteria provided, single submitter. Criteria: Invitae Variant Classification Sherloc (09022015). Collection method: clinical testing. Allele origin: germline.
Comment: In summary, the available evidence is currently insufficient to determine the role of this variant in disease. Therefore, it has been classified as a Variant of Uncertain Significance. Algorithms developed to predict the effect of missense changes on protein structure and function are either unavailable or do not agree on the potential impact of this missense change (SIFT: "Deleterious"; PolyPhen-2: "Benign"; Align-GVGD: "Class C0"). This variant has not been reported in the literature in individuals with DDHD1-related conditions. This variant is not present in population databases (ExAC no frequency). This sequence change replaces aspartic acid with tyrosine at codon 230 of the DDHD1 protein (p.Asp230Tyr). The aspartic acid residue is weakly conserved and there is a large physicochemical difference between aspartic acid and tyrosine.

NM_001160148.2(DDHD1):c.688G>T (p.Asp230Tyr)

Gene: DDHD1 (DDHD domain containing 1; minus strand). Cytogenetic location: 14q22.1.
Variant type: single nucleotide variant.
Coding change: c.688G>T on transcript NM_001160148.2 (MANE Select); coding-DNA position 688, G replaced by T.
Protein change: p.Asp230Tyr; replaces aspartic acid 230 with tyrosine.
Molecular consequence: missense variant.
Genome position (GRCh38, 1-based): chr14:53,152,411, C>A on the plus strand (G>T on the coding strand, the complement: DDHD1 is on the minus strand). VCF-style: chr14-53152411-C-A. GRCh37 (hg19) VCF-style: chr14-53619129-C-A.
Other names: c.688G>T, p.Asp230Tyr (NM_001160147.2, NM_030637.3); short protein forms D230Y.
Identifiers: ClinVar variation 835626 (VCV000835626.10), dbSNP rs147832037, ClinGen allele CA389780203.